The following is an entry in ClinVar:

NM_206933.4(USH2A):c.14791+4A>G

Gene: USH2A (usherin; minus strand). Cytogenetic location: 1q41.
Variant type: single nucleotide variant.
Coding change: c.14791+4A>G on transcript NM_206933.4 (MANE Select); 4 bases into the intron after coding-DNA position 14791, A replaced by G.
Molecular consequence: intron variant.
Genome position (GRCh38, 1-based): chr1:215,647,518, T>C on the plus strand (A>G on the coding strand, the complement: USH2A is on the minus strand). VCF-style: chr1-215647518-T-C. GRCh37 (hg19) VCF-style: chr1-215820860-T-C.
Identifiers: ClinVar variation 943996 (VCV000943996.10), dbSNP rs1408904076, ClinGen allele CA731350208.
Genomic context (GRCh38, chr1:215,647,518, plus strand): 5'-GGGCAAGCTTCTCCTGACCACATTCCAATCTCTCTGGCTTATGGTAGCAGCCACTTATAC[T>C]CACATTCTTTTTGGGTGGTGAAACTGATCCACTCGGAAGCCGTACTGCCCACCTCGTTGT-3'

ClinVar aggregate classification (germline): Pathogenic/Likely pathogenic. Review status: criteria provided, multiple submitters, no conflicts (2 of 4 stars). 5 submissions from 5 submitters: Pathogenic (2); Likely pathogenic (3). Last evaluated 2025-12-02.

Conditions:
USH2A-related disorder. Also called: USH2A-related disorders; USH2A-related condition. Identifiers: MedGen CN239332.
Retinitis pigmentosa 39 (RP39). Identifiers: Orphanet 791, MedGen C3151138, MONDO:0013436, OMIM 613809.
Usher syndrome type 2A. Also called: RETINAL DISEASE IN USHER SYNDROME TYPE IIA, MODIFIER OF; USHER SYNDROME, TYPE IIA. Identifiers: Orphanet 231178, Orphanet 886, MedGen C1848634, MONDO:0010169, OMIM 276901.

Allele frequency attached by ClinVar (database versions not stated): gnomAD exomes below 0.00001 and 0.00001; TOPMed 0.00001.
gnomAD v4.1: 3 of 1,613,808 alleles (0.00019%); highest among the groups gnomAD compares: Non-Finnish European, 0.00025%; no homozygotes.

Submissions (5):

Natera, Inc.
Classification: Likely pathogenic for Usher syndrome type 2A. Last evaluated: 2025-12-02. Review status: criteria provided, single submitter. Criteria: Natera Variant Classification Schema (03/2026). Collection method: clinical testing. Allele origin: germline.
Comment: The c.14791+4A>G variant in USH2A is an intronic variant located outside the canonical splice sites. This variant is rare in the general population with a frequency below the threshold expected for the associated phenotype(s). This variant has been observed in one or more individuals affected with the associated recessive disease, as either homozygous or compound heterozygous with a second variant (PMID: 27460420, 30358468). Functional studies show that this variant may disrupt protein function (PMID: 36362125). Computational prediction algorithms indicate this variant is likely to affect gene or protein function. Given the available evidence, this variant is classified as Likely Pathogenic.

Blueprint Genetics
Classification: Likely pathogenic for USH2A-related disorders. Last evaluated: 2024-09-10. Review status: criteria provided, single submitter. Criteria: ACMG Guidelines, 2015. Collection method: clinical testing. Allele origin: germline. Affected: yes. Observed: 1 variant allele.

Baylor Genetics
Classification: Pathogenic for Retinitis pigmentosa 39. Last evaluated: 2024-03-18. Review status: criteria provided, single submitter. Criteria: ACMG Guidelines, 2015. Collection method: clinical testing. Allele origin: unknown.

Labcorp Genetics (formerly Invitae), Labcorp
Classification: Pathogenic. Last evaluated: 2023-07-03. Review status: criteria provided, single submitter. Criteria: Invitae Variant Classification Sherloc (09022015). Collection method: clinical testing. Allele origin: germline.
Comment: This variant is not present in population databases (gnomAD no frequency). This sequence change falls in intron 67 of the USH2A gene. It does not directly change the encoded amino acid sequence of the USH2A protein. It affects a nucleotide within the consensus splice site. This variant has been observed in individual(s) with Usher syndrome (PMID: 27460420, 30358468). For these reasons, this variant has been classified as Pathogenic. Variants that disrupt the consensus splice site are a relatively common cause of aberrant splicing (PMID: 17576681, 9536098). Studies have shown that this variant alters mRNA splicing and is expected to lead to the loss of protein expression (PMID: 36362125). ClinVar contains an entry for this variant (Variation ID: 943996).

GeneDx
Classification: Likely pathogenic. Last evaluated: 2023-01-05. Review status: criteria provided, single submitter. Criteria: GeneDx Variant Classification Process June 2021. Collection method: clinical testing. Allele origin: germline. Affected: yes.
Comment: Published functional studies suggest a damaging effect on gene splicing (Reurink et al., 2022); Not observed at significant frequency in large population cohorts (gnomAD); In silico analysis supports a deleterious effect on splicing; This variant is associated with the following publications: (PMID: 36362125, 27460420)

Literature cited by the submitters: PubMed 27460420 (cited by Natera, Inc. and Labcorp Genetics (formerly Invitae), Labcorp); PubMed 30358468 (cited by Natera, Inc. and Labcorp Genetics (formerly Invitae), Labcorp); PubMed 36362125 (cited by Natera, Inc. and Labcorp Genetics (formerly Invitae), Labcorp); PubMed 17576681 (cited by Labcorp Genetics (formerly Invitae), Labcorp); PubMed 9536098 (cited by Labcorp Genetics (formerly Invitae), Labcorp).